The following is an entry in ClinVar:

ClinVar aggregate classification (germline): Uncertain significance (1 of 4 stars; one submission).

Conditions:
Familial sleep-related hypermotor epilepsy. Also called: Autosomal Dominant Sleep-Related Hypermotor (Hyperkinetic) Epilepsy. Identifiers: Orphanet 98784, MedGen C3696898, MONDO:0000030.

Allele frequency attached by ClinVar (database versions not stated): gnomAD exomes below 0.00001.
gnomAD v4.1: 2 of 1,600,152 alleles (0.00012%); highest among the groups gnomAD compares: Non-Finnish European, 0.00017%; no homozygotes.

Submission:

Labcorp Genetics (formerly Invitae), Labcorp
Classification: Uncertain significance. Last evaluated: 2022-06-29. Review status: criteria provided, single submitter. Criteria: Invitae Variant Classification Sherloc (09022015). Collection method: clinical testing. Allele origin: germline.
Comment: In summary, the available evidence is currently insufficient to determine the role of this variant in disease. Therefore, it has been classified as a Variant of Uncertain Significance. Algorithms developed to predict the effect of missense changes on protein structure and function (SIFT, PolyPhen-2, Align-GVGD) all suggest that this variant is likely to be tolerated. ClinVar contains an entry for this variant (Variation ID: 571691). This variant has not been reported in the literature in individuals affected with CHRNA4-related conditions. This variant is not present in population databases (gnomAD no frequency). This sequence change replaces serine, which is neutral and polar, with leucine, which is neutral and non-polar, at codon 405 of the CHRNA4 protein (p.Ser405Leu).

NM_000744.7(CHRNA4):c.1214C>T (p.Ser405Leu)

Gene: CHRNA4 (cholinergic receptor nicotinic alpha 4 subunit; minus strand). Cytogenetic location: 20q13.33.
Variant type: single nucleotide variant.
Coding change: c.1214C>T on transcript NM_000744.7 (MANE Select); coding-DNA position 1214, C replaced by T.
Protein change: p.Ser405Leu; replaces serine 405 with leucine.
Molecular consequence: missense variant. On other transcripts: non-coding transcript variant (1).
Genome position (GRCh38, 1-based): chr20:63,350,197, G>A on the plus strand (C>T on the coding strand, the complement: CHRNA4 is on the minus strand). VCF-style: chr20-63350197-G-A. GRCh37 (hg19) VCF-style: chr20-61981549-G-A.
Other names: c.686C>T, p.Ser229Leu (NM_001256573.2); short protein forms S405L, S229L.
Identifiers: ClinVar variation 571691 (VCV000571691.10), dbSNP rs1568808891, ClinGen allele CA409634079.